The following is an entry in ClinVar:

NM_000392.5(ABCC2):c.4144C>T (p.Gln1382Ter)

Gene: ABCC2 (ATP binding cassette subfamily C member 2; plus strand). Cytogenetic location: 10q24.2.
Variant type: single nucleotide variant.
Coding change: c.4144C>T on transcript NM_000392.5 (MANE Select); coding-DNA position 4144, C replaced by T.
Protein change: p.Gln1382Ter; replaces glutamine 1382 with a stop codon.
Molecular consequence: nonsense.
Genome position (GRCh38, 1-based): chr10:99,845,780, C>T. VCF-style: chr10-99845780-C-T. GRCh37 (hg19) VCF-style: chr10-101605537-C-T.
Other names: short protein forms Q1382*.
Identifiers: ClinVar variation 2629308 (VCV002629308.5), dbSNP rs754267460, ClinGen allele CA5644040.

ClinVar aggregate classification (germline): Pathogenic/Likely pathogenic. Review status: criteria provided, multiple submitters, no conflicts (2 of 4 stars). 2 submissions from 2 submitters: Pathogenic (1); Likely pathogenic (1). Last evaluated 2025-10-13.

Conditions:
ABCC2-related disorder. Also called: ABCC2-related condition.

Allele frequency attached by ClinVar (database versions not stated): TOPMed below 0.00001; gnomAD 0.00001; ExAC 0.00002; gnomAD exomes 0.00002.
gnomAD v4.1: 24 of 1,610,444 alleles (0.0015%); highest among the groups gnomAD compares: Non-Finnish European, 0.002%; no homozygotes.

Submissions (2):

PreventionGenetics, part of Exact Sciences
Classification: Likely pathogenic for ABCC2-related condition. Last evaluated: 2025-10-13. Review status: criteria provided, single submitter. Criteria: ACMG Guidelines, 2015. Collection method: clinical testing. Allele origin: germline.
Comment: The ABCC2 c.4144C>T variant is predicted to result in premature protein termination (p.Gln1382*). To our knowledge, this variant has not been reported in the literature. This variant is reported in 0.0036% of alleles in individuals of European (Non-Finnish) descent in gnomAD. Nonsense variants in ABCC2 are expected to be pathogenic. This variant is interpreted as likely pathogenic.

Labcorp Genetics (formerly Invitae), Labcorp
Classification: Pathogenic. Last evaluated: 2025-09-22. Review status: criteria provided, single submitter. Criteria: Invitae Variant Classification Sherloc (09022015). Collection method: clinical testing. Allele origin: germline.
Comment: This sequence change creates a premature translational stop signal (p.Gln1382*) in the ABCC2 gene. It is expected to result in an absent or disrupted protein product. Loss-of-function variants in ABCC2 are known to be pathogenic (PMID: 9185779, 16549534, 16952291). This variant is present in population databases (rs754267460, gnomAD 0.004%). This variant has not been reported in the literature in individuals affected with ABCC2-related conditions. ClinVar contains an entry for this variant (Variation ID: 2629308). Algorithms developed to predict the effect of sequence changes on RNA splicing suggest that this variant may disrupt the consensus splice site. For these reasons, this variant has been classified as Pathogenic.

Literature cited by the submitters: PubMed 9185779 (cited by Labcorp Genetics (formerly Invitae), Labcorp); PubMed 16549534 (cited by Labcorp Genetics (formerly Invitae), Labcorp); PubMed 16952291 (cited by Labcorp Genetics (formerly Invitae), Labcorp).